The following is an entry in ClinVar:

NM_016139.4(CHCHD2):c.300G>C (p.Gln100His)

Gene: CHCHD2 (coiled-coil-helix-coiled-coil-helix domain containing 2; minus strand). Cytogenetic location: 7p11.2.
Variant type: single nucleotide variant.
Coding change: c.300G>C on transcript NM_016139.4 (MANE Select); coding-DNA position 300, G replaced by C.
Protein change: p.Gln100His; replaces glutamine 100 with histidine.
Molecular consequence: missense variant.
Genome position (GRCh38, 1-based): chr7:56,104,226, C>G on the plus strand (G>C on the coding strand, the complement: CHCHD2 is on the minus strand). VCF-style: chr7-56104226-C-G. GRCh37 (hg19) VCF-style: chr7-56171919-C-G.
Other names: c.300G>C, p.Gln100His (NM_001320327.2); short protein forms Q100H.
Identifiers: ClinVar variation 3361066 (VCV003361066.1).

ClinVar aggregate classification (germline): Uncertain significance (1 of 4 stars; one submission).

Submission:

GeneDx
Classification: Uncertain significance. Last evaluated: 2023-07-18. Review status: criteria provided, single submitter. Criteria: GeneDx Variant Classification Process June 2021. Collection method: clinical testing. Allele origin: germline. Affected: yes.
Comment: Not observed at significant frequency in large population cohorts (gnomAD); In silico analysis supports that this missense variant has a deleterious effect on protein splicing; Has not been previously published as pathogenic or benign to our knowledge; In silico analysis supports that this missense variant has a deleterious effect on protein structure/function